The following is an entry in ClinVar:

NM_022124.6(CDH23):c.1355A>G (p.Asn452Ser)

Gene: CDH23 (cadherin related 23; plus strand). Cytogenetic location: 10q22.1.
Variant type: single nucleotide variant.
Coding change: c.1355A>G on transcript NM_022124.6 (MANE Select); coding-DNA position 1355, A replaced by G.
Protein change: p.Asn452Ser; replaces asparagine 452 with serine.
Molecular consequence: missense variant.
Genome position (GRCh38, 1-based): chr10:71,646,523, A>G. VCF-style: chr10-71646523-A-G. GRCh37 (hg19) VCF-style: chr10-73406280-A-G.
Other names: c.1355A>G, p.Asn452Ser (NM_001171930.2, NM_001171931.2, NM_052836.4); short protein forms N452S.
Identifiers: ClinVar variation 4540276 (VCV004540276.1).

ClinVar aggregate classification (germline): Uncertain significance (1 of 4 stars; one submission).

gnomAD v4.1: 15 of 1,613,824 alleles (0.00093%); highest among the groups gnomAD compares: East Asian, 0.0022%; no homozygotes.

Submission:

GeneDx
Classification: Uncertain significance. Last evaluated: 2025-06-25. Review status: criteria provided, single submitter. Criteria: GeneDx Variant Classification Process June 2021. Collection method: clinical testing. Allele origin: germline. Affected: yes.
Comment: Reported with a second variant (pase unknown) in a patient with sensorineural hearing loss in published literature (PMID: 12075507); Not observed at significant frequency in large population cohorts (gnomAD); In silico analysis suggests that this missense variant does not alter protein structure/function; This variant is associated with the following publications: (PMID: 12075507)